The following is an entry in ClinVar:

ClinVar aggregate classification (germline): Pathogenic/Likely pathogenic. Review status: criteria provided, multiple submitters, no conflicts (2 of 4 stars). 3 submissions from 3 submitters: Pathogenic (2); Likely pathogenic (1). Last evaluated 2025-08-21.

Conditions:
Hypohidrotic X-linked ectodermal dysplasia (XHED). Also called: ECTODERMAL DYSPLASIA, HYPOHIDROTIC, 1; CST SYNDROME; ECTODERMAL DYSPLASIA 1, HYPOHIDROTIC/HAIR/TOOTH TYPE, X-LINKED; Anhidrotic ectodermal dysplasia X-linked; Christ Siemens Touraine syndrome; ECTODERMAL DYSPLASIA 1. Identifiers: Orphanet 181, Orphanet 238468, MedGen C0162359, MONDO:0010585, OMIM 305100.

Submissions (3):

GeneDx
Classification: Pathogenic. Last evaluated: 2025-08-21. Review status: criteria provided, single submitter. Criteria: GeneDx Variant Classification Process June 2021. Collection method: clinical testing. Allele origin: germline. Affected: yes.
Comment: Not observed at significant frequency in large population cohorts (gnomAD); Canonical splice site variant predicted to result in an in-frame loss of the adjacent exon in a gene for which loss of function is a known mechanism of disease; This variant is associated with the following publications: (PMID: 18821982)

Labcorp Genetics (formerly Invitae), Labcorp
Classification: Pathogenic for Hypohidrotic X-linked ectodermal dysplasia. Last evaluated: 2025-03-31. Review status: criteria provided, single submitter. Criteria: Invitae Variant Classification Sherloc (09022015). Collection method: clinical testing. Allele origin: germline.
Comment: This sequence change affects a donor splice site in intron 4 of the EDA gene. It is expected to disrupt RNA splicing. Variants that disrupt the donor or acceptor splice site typically lead to a loss of protein function (PMID: 16199547), and loss-of-function variants in EDA are known to be pathogenic (PMID: 9683615). This variant is not present in population databases (gnomAD no frequency). Disruption of this splice site has been observed in individuals with ectodermal dysplasia (PMID: 18821982; internal data). ClinVar contains an entry for this variant (Variation ID: 265107). Algorithms developed to predict the effect of sequence changes on RNA splicing suggest that this variant may disrupt the consensus splice site. For these reasons, this variant has been classified as Pathogenic.

Greenwood Genetic Center Diagnostic Laboratories, Greenwood Genetic Center
Classification: Likely pathogenic for Hypohidrotic X-linked ectodermal dysplasia. Last evaluated: 2023-09-25. Review status: criteria provided, single submitter. Criteria: ACMG Guidelines, 2015. Collection method: clinical testing. Allele origin: germline. Affected: yes.
Comment: PP3_Strong, PS4_Supporting, PM2

Literature cited by the submitters: PubMed 16199547 (cited by Labcorp Genetics (formerly Invitae), Labcorp); PubMed 9683615 (cited by Labcorp Genetics (formerly Invitae), Labcorp); PubMed 18821982 (cited by Labcorp Genetics (formerly Invitae), Labcorp).

NM_001399.5(EDA):c.706+1G>A

Gene: EDA (ectodysplasin A; plus strand). Cytogenetic location: Xq13.1.
Variant type: single nucleotide variant.
Coding change: c.706+1G>A on transcript NM_001399.5 (MANE Select); the canonical splice donor site of the intron after coding-DNA position 706, G replaced by A.
Molecular consequence: splice donor variant.
Genome position (GRCh38, 1-based): chrX:70,028,037, G>A. VCF-style: chrX-70028037-G-A. GRCh37 (hg19) VCF-style: chrX-69247887-G-A.
Other names: c.706+1G>A (NM_001005609.2, NM_001005612.3).
Identifiers: ClinVar variation 265107 (VCV000265107.18), dbSNP rs886039344, ClinGen allele CA10588796.